The following is an entry in ClinVar:

NM_025179.4(PLXNA2):c.1777G>A (p.Ala593Thr)

Gene: PLXNA2 (plexin A2; minus strand). Cytogenetic location: 1q32.2.
Variant type: single nucleotide variant.
Coding change: c.1777G>A on transcript NM_025179.4 (MANE Select); coding-DNA position 1777, G replaced by A.
Protein change: p.Ala593Thr; replaces alanine 593 with threonine.
Molecular consequence: missense variant.
Genome position (GRCh38, 1-based): chr1:208,096,838, C>T on the plus strand (G>A on the coding strand, the complement: PLXNA2 is on the minus strand). VCF-style: chr1-208096838-C-T. GRCh37 (hg19) VCF-style: chr1-208270183-C-T.
Other names: short protein forms A593T.
Identifiers: ClinVar variation 3354136 (VCV003354136.1).
Genomic context (GRCh38, chr1:208,096,838, plus strand): 5'-AGATGACCTGGCTCCCGGACACCTGCCCCTCCACCTCTGTCAGGTTCCCAAAGGCACAGG[C>T]GATACCCGCAGATAGATCAGGAGCATCACTCACTACCAGGCTAAGCTGTGGGAGGAGCAA-3'
Protein context (NP_079455.3, residues 583-603): SDAPDLSAGI[Ala593Thr]CAFGNLTEVE

ClinVar aggregate classification (germline): Uncertain significance (0 of 4 stars; one submission).

Conditions:
PLXNA2-related disorder. Also called: PLXNA2-related condition.

gnomAD v4.1: 12 of 1,613,926 alleles (0.00074%); highest among the groups gnomAD compares: South Asian, 0.0033%; no homozygotes.

Submission:

PreventionGenetics, part of Exact Sciences
Classification: Uncertain significance for PLXNA2-related condition. Last evaluated: 2023-12-07. Review status: no assertion criteria provided. Collection method: clinical testing. Allele origin: germline.
Comment: The PLXNA2 c.1777G>A variant is predicted to result in the amino acid substitution p.Ala593Thr. To our knowledge, this variant has not been reported in the literature. This variant is reported in 0.0065% of alleles in individuals of South Asian descent in gnomAD. At this time, the clinical significance of this variant is uncertain due to the absence of conclusive functional and genetic evidence.